The following is an entry in ClinVar:

NM_198253.3(TERT):c.122G>C (p.Arg41Pro)

Genes: TERT (telomerase reverse transcriptase; minus strand), LOC110806263 (TERT 5' regulatory region; plus strand). Cytogenetic location: 5p15.33.
Variant type: single nucleotide variant.
Coding change: c.122G>C on transcript NM_198253.3 (MANE Select); coding-DNA position 122, G replaced by C.
Protein change: p.Arg41Pro; replaces arginine 41 with proline.
Molecular consequence: missense variant. On other transcripts: non-coding transcript variant (2).
Genome position (GRCh38, 1-based): chr5:1,294,868, C>G on the plus strand (G>C on the coding strand, the complement: TERT is on the minus strand). VCF-style: chr5-1294868-C-G. GRCh37 (hg19) VCF-style: chr5-1294983-C-G.
Other names: c.122G>C, p.Arg41Pro (NM_001193376.3); short protein forms R41P.
Identifiers: ClinVar variation 3967384 (VCV003967384.1).
Genomic context (GRCh38, chr5:1,294,868, plus strand): 5'-TCCCAGGGCACGCACACCAGGCACTGGGCCACCAGCGCGCGGAAAGCCGCCGGGTCCCCG[C>G]GCTGCACCAGCCGCCAGCCCTGGGGCCCCAGGCGCCGCACGAACGTGGCCAGCGGCAGCA-3'
Protein context (NP_937983.2, residues 31-51): LGPQGWRLVQ[Arg41Pro]GDPAAFRALV

ClinVar aggregate classification (germline): Uncertain significance (1 of 4 stars; one submission).

Conditions:
Dyskeratosis congenita. Identifiers: Orphanet 1775, MedGen C0265965, MONDO:0015780.

gnomAD v4.1: 1 of 1,451,688 alleles (0.000069%); no homozygotes.

Submission:

Ambry Genetics
Classification: Uncertain significance for Dyskeratosis congenita. Last evaluated: 2025-06-02. Review status: criteria provided, single submitter. Criteria: Ambry Variant Classification Scheme 2023. Collection method: clinical testing. Allele origin: germline.
Comment: The p.R41P variant (also known as c.122G>C), located in coding exon 1 of the TERT gene, results from a G to C substitution at nucleotide position 122. The arginine at codon 41 is replaced by proline, an amino acid with dissimilar properties. This amino acid position is conserved. In addition, this alteration is predicted to be tolerated by in silico analysis. Based on the available evidence, the clinical significance of this variant remains unclear.